The following is an entry in ClinVar:

ClinVar aggregate classification (germline): Uncertain significance (1 of 4 stars; one submission).

gnomAD v4.1: 50 of 1,613,962 alleles (0.0031%); highest among the groups gnomAD compares: South Asian, 0.013%; no homozygotes.

Submission:

GeneDx
Classification: Uncertain significance. Last evaluated: 2023-12-08. Review status: criteria provided, single submitter. Criteria: GeneDx Variant Classification Process June 2021. Collection method: clinical testing. Allele origin: germline. Affected: yes.
Comment: In silico analysis supports that this missense variant does not alter protein structure/function; Has not been previously published as pathogenic or benign to our knowledge

NM_001376571.1(MADD):c.4870G>A (p.Val1624Ile)

Gene: MADD (MAP kinase activating death domain; plus strand). Cytogenetic location: 11p11.2.
Variant type: single nucleotide variant.
Coding change: c.4870G>A on transcript NM_001376571.1 (MANE Select); coding-DNA position 4870, G replaced by A.
Protein change: p.Val1624Ile; replaces valine 1624 with isoleucine.
Molecular consequence: missense variant. On other transcripts: 3 prime UTR variant (44), non-coding transcript variant (8).
Genome position (GRCh38, 1-based): chr11:47,329,067, G>A. VCF-style: chr11-47329067-G-A. GRCh37 (hg19) VCF-style: chr11-47350618-G-A.
Other names: c.4552G>A, p.Val1518Ile (NM_001135943.2); c.4543G>A, p.Val1515Ile (NM_001135944.2, NM_001376618.1, NM_001376619.1 and 2 more transcripts); c.4858G>A, p.Val1620Ile (NM_001376572.1); c.4849G>A, p.Val1617Ile (NM_001376573.1); c.4816G>A, p.Val1606Ile (NM_001376574.1); c.4810G>A, p.Val1604Ile (NM_001376575.1); c.4798G>A, p.Val1600Ile (NM_001376576.1, NM_001376577.1); c.4771G>A, p.Val1591Ile (NM_001376578.1); and 32 more; short protein forms V1340I, V1471I, V1481I, V1486I, V1488I, V1489I, V1495I, V1509I.
Identifiers: ClinVar variation 3365253 (VCV003365253.1).